The following is an entry in ClinVar:

NM_182919.4(TICAM1):c.1489G>A (p.Ala497Thr)

Gene: TICAM1 (TIR domain containing adaptor molecule 1; minus strand). Cytogenetic location: 19p13.3.
Variant type: single nucleotide variant.
Coding change: c.1489G>A on transcript NM_182919.4 (MANE Select); coding-DNA position 1489, G replaced by A.
Protein change: p.Ala497Thr; replaces alanine 497 with threonine.
Molecular consequence: missense variant.
Genome position (GRCh38, 1-based): chr19:4,816,889, C>T on the plus strand (G>A on the coding strand, the complement: TICAM1 is on the minus strand). VCF-style: chr19-4816889-C-T. GRCh37 (hg19) VCF-style: chr19-4816901-C-T.
Other names: c.1447G>A, p.Ala483Thr (NM_001385678.1); c.1354G>A, p.Ala452Thr (NM_001385679.1); c.847G>A, p.Ala283Thr (NM_001385680.1); short protein forms A483T, A283T, A497T, A452T.
Identifiers: ClinVar variation 1475108 (VCV001475108.6), dbSNP rs2146168352, ClinGen allele CA403489471.
Genomic context (GRCh38, chr19:4,816,889, plus strand): 5'-AGTGTTCGTCCAGCCGCACCAGCCCGGAGAGCAGGCTGGCCGTGTCGGAGCTGAGCTGGG[C>T]CGGGGAGCTCTCCAGGGGCAGGAAGGGGATGACACAGTCTGGCGACCCCTGTCGCGTGAG-3'
Protein context (NP_891549.1, residues 487-507): IPFLPLESSP[Ala497Thr]QLSSDTASLL

ClinVar aggregate classification (germline): Uncertain significance (1 of 4 stars; one submission).

Conditions:
Encephalopathy, acute, infection-induced (herpes-specific), susceptibility to, 6. Also called: Herpes simplex encephalitis, susceptibility to, 4. Identifiers: Orphanet 1930, MedGen C3553869, MONDO:0013921, OMIM 614850.

Submission:

Labcorp Genetics (formerly Invitae), Labcorp
Classification: Uncertain significance for Encephalopathy, acute, infection-induced (herpes-specific), susceptibility to, 6. Last evaluated: 2024-08-05. Review status: criteria provided, single submitter. Criteria: Invitae Variant Classification Sherloc (09022015). Collection method: clinical testing. Allele origin: germline.
Comment: This sequence change replaces alanine, which is neutral and non-polar, with threonine, which is neutral and polar, at codon 497 of the TICAM1 protein (p.Ala497Thr). This variant is not present in population databases (gnomAD no frequency). This variant has not been reported in the literature in individuals affected with TICAM1-related conditions. ClinVar contains an entry for this variant (Variation ID: 1475108). An algorithm developed to predict the effect of missense changes on protein structure and function outputs the following: PolyPhen-2: "Benign". The threonine amino acid residue is found in multiple mammalian species, which suggests that this missense change does not adversely affect protein function. In summary, the available evidence is currently insufficient to determine the role of this variant in disease. Therefore, it has been classified as a Variant of Uncertain Significance.